The following is an entry in ClinVar:

ClinVar aggregate classification (germline): Uncertain significance. Review status: criteria provided, single submitter (1 of 4 stars). 3 submissions from 3 submitters: Uncertain significance (1). 2 of the submissions do not count toward it. Last evaluated 2025-07-22.

Conditions:
Cardiovascular phenotype. Identifiers: MedGen CN230736.

Allele frequency attached by ClinVar (database versions not stated): ExAC 0.00003; gnomAD exomes 0.00004; 1000 Genomes Project 30x 0.00016; 1000 Genomes Project 0.00020.
gnomAD v4.1: 79 of 1,613,104 alleles (0.0049%); highest among the groups gnomAD compares: Non-Finnish European, 0.0064%; no homozygotes.

Submissions (3):

Ambry Genetics
Classification: Uncertain significance for Cardiovascular phenotype. Last evaluated: 2025-07-22. Review status: criteria provided, single submitter. Criteria: Ambry Variant Classification Scheme 2023. Collection method: clinical testing. Allele origin: germline.
Comment: The p.E274K variant (also known as c.820G>A), located in coding exon 6 of the LMF1 gene, results from a G to A substitution at nucleotide position 820. The glutamic acid at codon 274 is replaced by lysine, an amino acid with similar properties. This amino acid position is conserved. In addition, this alteration is predicted to be deleterious by in silico analysis. Since supporting evidence is limited at this time, the clinical significance of this alteration remains unclear.

Clinical Genetics, Academic Medical Center
Classification: Uncertain significance. Review status: no assertion criteria provided. Collection method: clinical testing. Allele origin: germline. Affected: yes. Study: VKGL Data-share Consensus. Not counted in ClinVar's aggregate classification.

Diagnostic Laboratory, Department of Genetics, University Medical Center Groningen
Classification: Uncertain significance. Review status: no assertion criteria provided. Collection method: clinical testing. Allele origin: germline. Affected: yes. Study: VKGL Data-share Consensus. Not counted in ClinVar's aggregate classification.

NM_022773.4(LMF1):c.820G>A (p.Glu274Lys)

Gene: LMF1 (lipase maturation factor 1; minus strand). Cytogenetic location: 16p13.3.
Variant type: single nucleotide variant.
Coding change: c.820G>A on transcript NM_022773.4 (MANE Select); coding-DNA position 820, G replaced by A.
Protein change: p.Glu274Lys; replaces glutamic acid 274 with lysine.
Molecular consequence: missense variant. On other transcripts: non-coding transcript variant (1).
Genome position (GRCh38, 1-based): chr16:879,647, C>T on the plus strand (G>A on the coding strand, the complement: LMF1 is on the minus strand). VCF-style: chr16-879647-C-T. GRCh37 (hg19) VCF-style: chr16-929647-C-T.
Other names: c.169G>A, p.Glu57Lys (NM_001352017.2, NM_001352021.2); c.421G>A, p.Glu141Lys (NM_001352018.2); c.493G>A, p.Glu165Lys (NM_001352019.2); c.820G>A, p.Glu274Lys (NM_001352020.1); short protein forms E141K, E165K, E274K, E57K.
Identifiers: ClinVar variation 1328098 (VCV001328098.5), dbSNP rs531415593, ClinGen allele CA7797352.
Genomic context (GRCh38, chr16:879,647, plus strand): 5'-GCACCCCGTGGATGATGCACGCCCGCCGGCCGAGGAAGAGGAAGAAGGGCACCAGGAGCT[C>T]GATGAAGTGGTTGCTGAGCGTCTCGAAGCGATGGAACCACCAGGGTGAGTGGTGCAGGTA-3'
Protein context (NP_073610.2, residues 264-284): RFETLSNHFI[Glu274Lys]LLVPFFLFLG